The following is an entry in ClinVar:

NM_001364905.1(LRBA):c.5941C>T (p.Arg1981Cys)

Gene: LRBA (LPS responsive beige-like anchor protein; minus strand). Cytogenetic location: 4q31.3.
Variant type: single nucleotide variant.
Coding change: c.5941C>T on transcript NM_001364905.1 (MANE Select); coding-DNA position 5941, C replaced by T.
Protein change: p.Arg1981Cys; replaces arginine 1981 with cysteine.
Molecular consequence: missense variant.
Genome position (GRCh38, 1-based): chr4:150,599,112, G>A on the plus strand (C>T on the coding strand, the complement: LRBA is on the minus strand). VCF-style: chr4-150599112-G-A. GRCh37 (hg19) VCF-style: chr4-151520264-G-A.
Other names: c.5941C>T, p.Arg1981Cys (NM_001199282.3, NM_001367550.1, NM_006726.5); short protein forms R1981C.
Identifiers: ClinVar variation 934488 (VCV000934488.7), dbSNP rs148699393, ClinGen allele CA3102294.
Genomic context (GRCh38, chr4:150,599,112, plus strand): 5'-CTAGAGGGTTACGCACAAATCGTCGCCGGCGCCGCAAGTCATCTTCCCAGTAGTCAAGGC[G>A]CCAGAACTCAAGAGGACGACTACAATGAAACAGAGAAGCCACATATGTTAGCAATTATCA-3'
Protein context (NP_001351834.1, residues 1971-1991): SAVSRPLEFW[Arg1981Cys]LDYWEDDLRR

ClinVar aggregate classification (germline): Uncertain significance. Review status: criteria provided, multiple submitters, no conflicts (2 of 4 stars). 3 submissions from 3 submitters: Uncertain significance (3). Last evaluated 2024-04-03.

Conditions:
Combined immunodeficiency due to LRBA deficiency. Also called: Common variable immunodeficiency 8, with autoimmunity. Identifiers: Orphanet 445018, MedGen C3553512, MONDO:0013863, OMIM 614700.

Allele frequency attached by ClinVar (database versions not stated): gnomAD exomes 0.00012; ExAC 0.00016; 1000 Genomes Project 0.00020; 1000 Genomes Project 30x 0.00031; TOPMed 0.00037; ESP Exome Variant Server 0.00038.
gnomAD v4.1: 119 of 1,614,000 alleles (0.0074%); highest among the groups gnomAD compares: African/African-American, 0.089%; no homozygotes.

Submissions (3):

Blueprint Genetics
Classification: Uncertain significance. Last evaluated: 2024-04-03. Review status: criteria provided, single submitter. Criteria: ACMG Guidelines, 2015. Collection method: clinical testing. Allele origin: germline.

Labcorp Genetics (formerly Invitae), Labcorp
Classification: Uncertain significance for Combined immunodeficiency due to LRBA deficiency. Last evaluated: 2022-07-26. Review status: criteria provided, single submitter. Criteria: Invitae Variant Classification Sherloc (09022015). Collection method: clinical testing. Allele origin: germline.
Comment: This sequence change replaces arginine, which is basic and polar, with cysteine, which is neutral and slightly polar, at codon 1981 of the LRBA protein (p.Arg1981Cys). This variant is present in population databases (rs148699393, gnomAD 0.1%). This missense change has been observed in individual(s) with LRBA deficiency (PMID: 31887391). ClinVar contains an entry for this variant (Variation ID: 934488). Algorithms developed to predict the effect of missense changes on protein structure and function are either unavailable or do not agree on the potential impact of this missense change (SIFT: "Deleterious"; PolyPhen-2: "Probably Damaging"; Align-GVGD: "Class C0"). Algorithms developed to predict the effect of sequence changes on RNA splicing suggest that this variant may create or strengthen a splice site. In summary, the available evidence is currently insufficient to determine the role of this variant in disease. Therefore, it has been classified as a Variant of Uncertain Significance.

Fulgent Genetics
Classification: Uncertain significance for Combined immunodeficiency due to LRBA deficiency. Last evaluated: 2022-04-25. Review status: criteria provided, single submitter. Criteria: ACMG Guidelines, 2015. Collection method: clinical testing. Allele origin: unknown.

Literature cited by the submitters: PubMed 31887391 (cited by Labcorp Genetics (formerly Invitae), Labcorp).